The following is an entry in ClinVar:

NM_005816.5(CD96):c.766C>T (p.Pro256Ser)

Gene: CD96 (CD96 molecule; plus strand). Cytogenetic location: 3q13.13.
Variant type: single nucleotide variant.
Coding change: c.766C>T on transcript NM_005816.5 (MANE Select); coding-DNA position 766, C replaced by T.
Protein change: p.Pro256Ser; replaces proline 256 with serine.
Molecular consequence: missense variant. On other transcripts: non-coding transcript variant (1).
Genome position (GRCh38, 1-based): chr3:111,585,337, C>T. VCF-style: chr3-111585337-C-T. GRCh37 (hg19) VCF-style: chr3-111304184-C-T.
Other names: c.766C>T, p.Pro256Ser (NM_001318889.2, NM_001410800.1); c.814C>T, p.Pro272Ser (NM_198196.3); short protein forms P272S, P256S.
Identifiers: ClinVar variation 1921974 (VCV001921974.5), dbSNP rs1462219495, ClinGen allele CA353957639.

ClinVar aggregate classification (germline): Uncertain significance (1 of 4 stars; one submission).

Allele frequency attached by ClinVar (database versions not stated): gnomAD exomes 0.00001; TOPMed below 0.00001.
gnomAD v4.1: 12 of 1,611,250 alleles (0.00074%); highest among the groups gnomAD compares: Non-Finnish European, 0.001%; no homozygotes.

Submission:

Labcorp Genetics (formerly Invitae), Labcorp
Classification: Uncertain significance. Last evaluated: 2025-03-17. Review status: criteria provided, single submitter. Criteria: Invitae Variant Classification Sherloc (09022015). Collection method: clinical testing. Allele origin: germline.
Comment: This sequence change replaces proline, which is neutral and non-polar, with serine, which is neutral and polar, at codon 272 of the CD96 protein (p.Pro272Ser). This variant is present in population databases (no rsID available, gnomAD 0.0009%). This variant has not been reported in the literature in individuals affected with CD96-related conditions. ClinVar contains an entry for this variant (Variation ID: 1921974). Invitae Evidence Modeling of protein sequence and biophysical properties (such as structural, functional, and spatial information, amino acid conservation, physicochemical variation, residue mobility, and thermodynamic stability) indicates that this missense variant is not expected to disrupt CD96 protein function with a negative predictive value of 80%. In summary, the available evidence is currently insufficient to determine the role of this variant in disease. Therefore, it has been classified as a Variant of Uncertain Significance.